The following is an entry in ClinVar:

NM_014363.6(SACS):c.5391G>C (p.Lys1797Asn)

Gene: SACS (sacsin molecular chaperone; minus strand). Cytogenetic location: 13q12.12.
Variant type: single nucleotide variant.
Coding change: c.5391G>C on transcript NM_014363.6 (MANE Select); coding-DNA position 5391, G replaced by C.
Protein change: p.Lys1797Asn; replaces lysine 1797 with asparagine.
Molecular consequence: missense variant.
Genome position (GRCh38, 1-based): chr13:23,338,485, C>G on the plus strand (G>C on the coding strand, the complement: SACS is on the minus strand). VCF-style: chr13-23338485-C-G. GRCh37 (hg19) VCF-style: chr13-23912624-C-G.
Other names: c.4950G>C, p.Lys1650Asn (NM_001278055.2); short protein forms K1797N, K1650N.
Identifiers: ClinVar variation 448206 (VCV000448206.18), dbSNP rs144715822, ClinGen allele CA6911253.

ClinVar aggregate classification (germline): Conflicting classifications of pathogenicity. Review status: criteria provided, conflicting classifications (1 of 4 stars). 6 submissions from 6 submitters: Uncertain significance (5); Likely benign (1). Last evaluated 2026-02-02.

Conditions:
Charlevoix-Saguenay spastic ataxia (SACS). Also called: Spastic ataxia of Charlevoix-Saguenay; AUTOSOMAL RECESSIVE SPASTIC ATAXIA OF CHARLEVOIX-SAGUENAY; SPASTIC ATAXIA 6, AUTOSOMAL RECESSIVE. Identifiers: Orphanet 98, MedGen C1849140, MONDO:0010041, OMIM 270550.
Spastic paraplegia. Identifiers: MedGen C0037772, HP:0001258.

Allele frequency attached by ClinVar (database versions not stated): gnomAD exomes 0.00008 and 0.00009; ExAC 0.00012; gnomAD 0.00012; TOPMed 0.00014; ESP Exome Variant Server 0.00031.
gnomAD v4.1: 125 of 1,614,066 alleles (0.0077%); highest among the groups gnomAD compares: Non-Finnish European, 0.01%; no homozygotes.

Submissions (6):

Labcorp Genetics (formerly Invitae), Labcorp
Classification: Likely benign for Spastic paraplegia. Last evaluated: 2026-02-02. Review status: criteria provided, single submitter. Criteria: Invitae Variant Classification Sherloc (09022015). Collection method: clinical testing. Allele origin: germline.

Mayo Clinic Laboratories, Mayo Clinic
Classification: Uncertain significance. Last evaluated: 2025-06-27. Review status: criteria provided, single submitter. Criteria: ACMG Guidelines, 2015. Collection method: clinical testing. Allele origin: germline. Observed: 1 variant allele.
Comment: PM2_supporting

Blueprint Genetics
Classification: Uncertain significance. Last evaluated: 2024-09-12. Review status: criteria provided, single submitter. Criteria: ACMG Guidelines, 2015. Collection method: clinical testing. Allele origin: germline.

Genome-Nilou Lab
Classification: Uncertain significance for Charlevoix-Saguenay spastic ataxia. Last evaluated: 2021-09-05. Review status: criteria provided, single submitter. Criteria: ACMG Guidelines, 2015. Collection method: clinical testing. Allele origin: germline. Affected: no.

Athena Diagnostics
Classification: Uncertain significance. Last evaluated: 2019-10-31. Review status: criteria provided, single submitter. Criteria: Athena Diagnostics Criteria. Collection method: clinical testing. Allele origin: unknown.

Illumina Laboratory Services, Illumina
Classification: Uncertain significance for Charlevoix-Saguenay spastic ataxia. Last evaluated: 2018-01-13. Review status: criteria provided, single submitter. Criteria: ICSL Variant Classification Criteria 13 December 2019. Collection method: clinical testing. Allele origin: germline.

Literature cited by the submitters: PubMed 23280630 (cited by Mayo Clinic Laboratories, Mayo Clinic and Athena Diagnostics).